The following is an entry in ClinVar:

ClinVar aggregate classification (germline): Uncertain significance (1 of 4 stars; one submission).

Conditions:
Glycogen storage disease, type II (IOPD). Also called: Glycogen storage disease type 2; Acid maltase deficiency disease; Aglucosidase alfa; Deficiency of alpha-glucosidase; Deficiency of lysosomal alpha-glucosidase; Glucosidase acid-1,4-alpha deficiency. Identifiers: Orphanet 365, MedGen C0017921, MONDO:0009290, OMIM 232300.

Allele frequency attached by ClinVar (database versions not stated): gnomAD exomes below 0.00001; gnomAD 0.00001; ExAC 0.00002; 1000 Genomes Project 0.00020; 1000 Genomes Project 30x 0.00031.

Submission:

Labcorp Genetics (formerly Invitae), Labcorp
Classification: Uncertain significance for Glycogen storage disease, type II. Last evaluated: 2022-08-23. Review status: criteria provided, single submitter. Criteria: Invitae Variant Classification Sherloc (09022015). Collection method: clinical testing. Allele origin: germline.
Comment: This sequence change replaces isoleucine, which is neutral and non-polar, with valine, which is neutral and non-polar, at codon 257 of the GAA protein (p.Ile257Val). This variant is present in population databases (rs199674786, gnomAD 0.002%). This variant has not been reported in the literature in individuals affected with GAA-related conditions. ClinVar contains an entry for this variant (Variation ID: 1042826). Advanced modeling of protein sequence and biophysical properties (such as structural, functional, and spatial information, amino acid conservation, physicochemical variation, residue mobility, and thermodynamic stability) performed at Invitae indicates that this missense variant is not expected to disrupt GAA protein function. In summary, the available evidence is currently insufficient to determine the role of this variant in disease. Therefore, it has been classified as a Variant of Uncertain Significance.

NM_000152.5(GAA):c.769A>G (p.Ile257Val)

Gene: GAA (alpha glucosidase; plus strand). Cytogenetic location: 17q25.3.
Variant type: single nucleotide variant.
Coding change: c.769A>G on transcript NM_000152.5 (MANE Select); coding-DNA position 769, A replaced by G.
Protein change: p.Ile257Val; replaces isoleucine 257 with valine.
Molecular consequence: missense variant.
Genome position (GRCh38, 1-based): chr17:80,107,633, A>G. VCF-style: chr17-80107633-A-G. GRCh37 (hg19) VCF-style: chr17-78081432-A-G.
Other names: c.769A>G, p.Ile257Val (NM_001079803.3, NM_001079804.3); short protein forms I257V.
Identifiers: ClinVar variation 1042826 (VCV001042826.2), dbSNP rs199674786, ClinGen allele CA8815012.